The following is an entry in ClinVar:

ClinVar aggregate classification (germline): Conflicting classifications of pathogenicity. Review status: criteria provided, conflicting classifications (1 of 4 stars). 8 submissions from 6 submitters: Uncertain significance (3); Benign (3); Likely benign (2). Last evaluated 2026-01-14.

Conditions:
Mitochondrial complex II deficiency, nuclear type 1. Also called: SUCCINATE CoQ REDUCTASE DEFICIENCY. Identifiers: Orphanet 3208, MedGen C5700310, MONDO:0100294, OMIM 252011.
Pheochromocytoma/paraganglioma syndrome 5. Also called: SDHA-Related Hereditary Paraganglioma-Pheochromocytoma Syndrome; Paragangliomas 5. Identifiers: Orphanet 29072, MedGen C3279992, MONDO:0013602, OMIM 614165.
Hereditary cancer-predisposing syndrome. Also called: Neoplastic Syndromes, Hereditary; Hereditary Cancer Syndrome; Tumor predisposition; Hereditary neoplastic syndrome. Identifiers: Orphanet 140162, MedGen C0027672, MeSH D009386, MONDO:0015356.
Hereditary pheochromocytoma and paraganglioma. Also called: Hereditary Paraganglioma-Pheochromocytoma Syndromes; Hereditary pheochromocytoma-paraganglioma; Hereditary paragangliomas and pheochromocytomas. Identifiers: Orphanet 29072, MedGen C4274332, MONDO:0017366.
Leigh syndrome (NULS). Also called: Leigh's syndrome; Leigh Syndrome (mtDNA deletion); Leigh Disease; Subacute necrotizing encephalopathy; Necrotizing encephalopathy infantile subacute of Leigh; LEIGH SYNDROME, NUCLEAR. Identifiers: Orphanet 506, MedGen C2931891, MONDO:0009723, OMIM 256000.

Allele frequency attached by ClinVar (database versions not stated): gnomAD exomes 0.00006 and 0.00011; TOPMed 0.00006; ExAC 0.00008; gnomAD 0.00008 and 0.00009; 1000 Genomes Project 30x 0.00031.
gnomAD v4.1: 94 of 1,609,182 alleles (0.0058%); highest among the groups gnomAD compares: Middle Eastern, 0.022%; no homozygotes.

Submissions (8):

Labcorp Genetics (formerly Invitae), Labcorp
Classification: Likely benign for Pheochromocytoma/paraganglioma syndrome 5; Mitochondrial complex II deficiency, nuclear type 1. Last evaluated: 2026-01-14. Review status: criteria provided, single submitter. Criteria: Invitae Variant Classification Sherloc (09022015). Collection method: clinical testing. Allele origin: germline.

Myriad Genetics, Inc.
Classification: Benign for Pheochromocytoma/paraganglioma syndrome 5. Last evaluated: 2025-03-10. Review status: criteria provided, single submitter. Criteria: Myriad Autosomal Dominant, Autosomal Recessive and X-Linked Classification Criteria (2023). Collection method: clinical testing. Allele origin: unknown.
Comment: This variant is considered benign. This variant is a silent/synonymous amino acid change and it is not expected to impact splicing.

Quest Diagnostics Nichols Institute San Juan Capistrano
Classification: Benign. Last evaluated: 2023-09-12. Review status: criteria provided, single submitter. Criteria: Quest Diagnostics criteria. Collection method: clinical testing. Allele origin: unknown.

Sema4
Classification: Benign for Hereditary cancer-predisposing syndrome. Last evaluated: 2021-11-15. Review status: criteria provided, single submitter. Criteria: Sema4 Curation Guidelines. Collection method: curation. Allele origin: germline.

Illumina Laboratory Services, Illumina
Classification: Uncertain significance for Mitochondrial complex II deficiency, nuclear type 1. Last evaluated: 2017-04-27. Review status: criteria provided, single submitter. Criteria: ICSL Variant Classification Criteria 13 December 2019. Collection method: clinical testing. Allele origin: germline.

Illumina Laboratory Services, Illumina
Classification: Uncertain significance for Leigh syndrome. Last evaluated: 2017-04-27. Review status: criteria provided, single submitter. Criteria: ICSL Variant Classification Criteria 13 December 2019. Collection method: clinical testing. Allele origin: germline.

Illumina Laboratory Services, Illumina
Classification: Uncertain significance for Hereditary Paraganglioma-Pheochromocytoma Syndromes. Last evaluated: 2017-04-27. Review status: criteria provided, single submitter. Criteria: ICSL Variant Classification Criteria 13 December 2019. Collection method: clinical testing. Allele origin: germline.

Ambry Genetics
Classification: Likely benign for Hereditary cancer-predisposing syndrome. Last evaluated: 2016-12-02. Review status: criteria provided, single submitter. Criteria: Ambry Variant Classification Scheme 2023. Collection method: clinical testing. Allele origin: germline.

NM_004168.4(SDHA):c.1527G>A (p.Ser509=)

Gene: SDHA (succinate dehydrogenase complex flavoprotein subunit A; plus strand). Cytogenetic location: 5p15.33.
Variant type: single nucleotide variant.
Coding change: c.1527G>A on transcript NM_004168.4 (MANE Select); coding-DNA position 1527, G replaced by A.
Protein change: p.Ser509=; no amino-acid change (serine 509 retained).
Molecular consequence: synonymous variant.
Genome position (GRCh38, 1-based): chr5:240,452, G>A. VCF-style: chr5-240452-G-A. GRCh37 (hg19) VCF-style: chr5-240567-G-A.
Other names: c.1383G>A, p.Ser461= (NM_001294332.2); c.1527G>A, p.Ser509= (NM_001330758.2).
Identifiers: ClinVar variation 417252 (VCV000417252.22), dbSNP rs746453879, ClinGen allele CA3173266.